The following is an entry in ClinVar:

ClinVar aggregate classification (germline): Pathogenic/Likely pathogenic. Review status: criteria provided, multiple submitters, no conflicts (2 of 4 stars). 8 submissions from 8 submitters: Pathogenic (2); Likely pathogenic (6). Last evaluated 2026-08-18.

Conditions:
Familial melanoma. Also called: Hereditary melanoma; Hereditary cutaneous melanoma. Identifiers: Orphanet 618, MedGen C1512419, MONDO:0018961.
Melanoma and neural system tumor syndrome. Also called: MELANOMA-ASTROCYTOMA SYNDROME. Identifiers: Orphanet 252206, MedGen C1835042, MONDO:0007967, OMIM 155755.
Melanoma, cutaneous malignant, susceptibility to, 2 (CMM2). Also called: CDKN2A-Related Cutaneous Malignant Melanoma; Cutaneous malignant melanoma 2. Identifiers: Orphanet 618, MedGen C1835044, MONDO:0007964, OMIM 155601.
Melanoma-pancreatic cancer syndrome. Identifiers: Orphanet 404560, MedGen C1838547, MONDO:0011713, OMIM 606719. Disease mechanism: loss of function.
CDKN2A-related disorder. Also called: CDKN2A-related condition.
Hereditary cancer-predisposing syndrome. Also called: Hereditary neoplastic syndrome; Neoplastic Syndromes, Hereditary; Hereditary Cancer Syndrome; Tumor predisposition. Identifiers: Orphanet 140162, MedGen C0027672, MeSH D009386, MONDO:0015356.

Allele frequency attached by ClinVar (database versions not stated): gnomAD exomes below 0.00001.

Submissions (8):

Ambry Genetics
Classification: Likely pathogenic for Hereditary cancer-predisposing syndrome. Last evaluated: 2026-08-18. Review status: criteria provided, single submitter. Criteria: Ambry Variant Classification Scheme 2023. Collection method: clinical testing. Allele origin: germline.
Comment: The p.G23D variant (also known as c.68G>A), located in coding exon 1 of the CDKN2A gene, results from a G to A substitution at nucleotide position 68. The glycine at codon 23 is replaced by aspartic acid, an amino acid with similar properties. Based on internal structural analysis, this alteration is predicted to result in severe perturbation of the interface with CDK6, which likely leads to misfolding and loss of binding (Russo AA, et al. Nature 1998 Sep; 395(6699):237-43). This alteration has been identified in individuals with multiple primary melanomas (Bruno W et al. J Am Acad Dermatol. 2016 Feb;74(2):325-32). This alteration did not segregate with disease in three separate families where it was detected in individuals with melanoma and in unaffected individuals, and also not detected in individuals affected with melanoma (Scaini MC, et al. Mutat. Res. 2009 Dec; 671(1-2):26-32, Soufir N, et al. Hum. Mol. Genet. 1998 Feb; 7(2):209-16. Hocevar M, et al. Croat. Med. J. 2006 Dec; 47(6):851-4). Another alteration at the same codon, p.G23S(c.67G>A), has been described in individuals affected with multiple primary melanomas (Gensini F et al. Melanoma Res. 2007 Dec;17(6):387-92; Bruno W et al. J Am Acad Dermatol . 2016 Feb;74(2):325-32; Ambry internal data). In several functional assays, this alteration was shown to be less efficient than wild type protein in binding CDK4, in inhibiting pRb phosphorylation, and in inducing G1 cell cycle arrest (Scaini MC, et al. Mutat. Res. 2009 Dec; 671(1-2):26-32, Kannengiesser C, et al. Hum. Mutat. 2009 Apr; 30(4):564-74, McKenzie HA, et al. Hum. Mutat. 2010 Jun; 31(6):692-701). This variant is considered to be rare based on population cohorts in the Genome Aggregation Database (gnomAD). This amino acid position is highly conserved in available vertebrate species. In addition, this alteration is predicted to be deleterious by in silico analysis. Based on the majority of available evidence to date, this variant is likely to be pathogenic.

PreventionGenetics, part of Exact Sciences
Classification: Likely pathogenic for CDKN2A-related condition. Last evaluated: 2026-05-21. Review status: criteria provided, single submitter. Criteria: ACMG Guidelines, 2015. Collection method: clinical testing. Allele origin: germline.
Comment: The CDKN2A c.68G>A variant is predicted to result in the amino acid substitution p.Gly23Asp. This variant has been reported in individuals with melanoma, but does not segregate completely in families, suggesting variable expressivity or incomplete penetrance (Soufir et al. 1998. PubMed ID: 9425228; Miller et al. 2011. PubMed ID: 21462282). Functional studies show this variant results in loss of function (Kannengiesser et al. 2009. PubMed ID: 19260062; McKenzie et al. 2010. PubMed ID: 20340136; Scaini et al. 2014. PubMed ID: 24659262). This variant has not been reported in a large population database (gnomAD), indicating this variant is rare and is reported as pathogenic/likely pathogenic in ClinVar (Variation ID: 420108). Alternate missense changes at this amino acid residue (p.Gly23Ser, p.Gly23Arg, p.Gly23Cys) have been reported to be pathogenic (Begg. 2005. PubMed ID: 16234564; Blackwood. 2002. PubMed ID: 12001124). This variant is interpreted as likely pathogenic.

Myriad Genetics, Inc.
Classification: Likely pathogenic for Melanoma-pancreatic cancer syndrome. Last evaluated: 2025-08-14. Review status: criteria provided, single submitter. Criteria: Myriad Autosomal Dominant, Autosomal Recessive and X-Linked Classification Criteria (2023). Collection method: clinical testing. Allele origin: unknown.
Comment: This variant is considered likely pathogenic. Functional studies indicate this variant impacts protein function [PMID: 19712690, 19260062, 20340136].

Labcorp Genetics (formerly Invitae), Labcorp
Classification: Pathogenic for Familial melanoma. Last evaluated: 2024-01-12. Review status: criteria provided, single submitter. Criteria: Invitae Variant Classification Sherloc (09022015). Collection method: clinical testing. Allele origin: germline.
Comment: This sequence change replaces glycine, which is neutral and non-polar, with aspartic acid, which is acidic and polar, at codon 23 of the CDKN2A (p16INK4a) protein (p.Gly23Asp). This variant is not present in population databases (gnomAD no frequency). This missense change has been observed in individual(s) with melanoma (PMID: 9856841, 17167857). It has also been observed to segregate with disease in related individuals. ClinVar contains an entry for this variant (Variation ID: 420108). An algorithm developed to predict the effect of missense changes on protein structure and function (PolyPhen-2) suggests that this variant is likely to be disruptive. Experimental studies have shown that this missense change affects CDKN2A (p16INK4a) function (PMID: 19260062, 19712690, 20340136, 21462282, 24659262). This variant disrupts the p.Gly23 amino acid residue in CDKN2A (p16INK4a). Other variant(s) that disrupt this residue have been determined to be pathogenic (PMID: 16234564, 24659262, 26775776, 27267843, 28830827, 29661971, 32482799; Invitae). This suggests that this residue is clinically significant, and that variants that disrupt this residue are likely to be disease-causing. For these reasons, this variant has been classified as Pathogenic.

Women's Health and Genetics/Laboratory Corporation of America, LabCorp
Classification: Likely pathogenic for Familial melanoma. Last evaluated: 2023-10-31. Review status: criteria provided, single submitter. Criteria: LabCorp Variant Classification Summary - May 2015. Collection method: clinical testing. Allele origin: germline.
Comment: Variant summary: CDKN2A c.68G>A (p.Gly23Asp) results in a non-conservative amino acid change in the encoded protein sequence. Five of five in-silico tools predict a damaging effect of the variant on protein function. The variant was absent in 230562 control chromosomes (gnomAD). c.68G>A has been reported in the literature in individuals affected with Cutaneous Malignant Melanoma (examples: Soufir_1998, Fargnoli_1998, Niendorf_2006, Hocevar_2006, Bruno_2009, Kannengiesser_2009, Demenais_2010) and unaffected individuals (examples: Fargnoli_1998, Kannengiesser_2009). These data indicate that the variant is likely to be associated with disease. Multiple studies have shown functional analyses that CDKN2A Gly23Asp decrease CDK4/CDK6 binding, alter localization, and cause loss of proliferation arrest indicated by an increase in Ki67 index (examples: Kannengiesser_2009, McKenzie_2010 Scaini_2013). The following publications have been ascertained in the context of this evaluation (PMID: 19260062, 9425228, 9856841, 24659262, 20340136, 16169933, 19500876, 17167857, 20876876). Four submitters have cited clinical-significance assessments for this variant to ClinVar after 2014. All submitters classified the variant as pathogenic (n=1)/likely pathogenic (n=3). Based on the evidence outlined above, the variant was classified as likely pathogenic.

Department of Molecular Diagnostics, Institute of Oncology Ljubljana
Classification: Pathogenic for Melanoma-pancreatic cancer syndrome. Last evaluated: 2020-04-02. Review status: criteria provided, single submitter. Criteria: ACMG Guidelines, 2015. Collection method: clinical testing. Allele origin: germline. Affected: yes.

GeneDx
Classification: Likely pathogenic. Last evaluated: 2016-11-07. Review status: criteria provided, single submitter. Criteria: GeneDx Variant Classification (06012015). Collection method: clinical testing. Allele origin: germline. Affected: yes.
Comment: This variant is denoted CDKN2A c.68G>A at the cDNA level, p.Gly23Asp (G23D) at the protein level, and results in the change of a Glycine to an Aspartic Acid (GGT>GAT). This variant has been observed in individuals with melanoma, familial melanoma and multiple primary melanomas, but not in controls (Soufir 1998, Hocevar 2006, Niendorf 2006, Goldstein 2007, Scaini 2009, Harland 2014, Bruno 2016, Cossu 2016). Segregation studies of CDKN2A Gly23Asp in families with melanoma are inconsistent (Soufir 1998, Hocevar 2006, Scaini 2009). This variant was strongly predicted to be pathogenic based on Bayesian analyses combining functional data with computational predictions (Miller 2011, Scaini 2014). Functional analyses have consistently demonstrated CDKN2A Gly23Asp, in comparison to wild-type, has decreased CDK4 binding, decreased CDK6 binding, altered localization, loss of proliferation arrest, and increased Ki67 index (Kannengiesser 2009, Scaini 2009, McKenzie 2010). CDKN2A Gly23Asp was not observed in approximately 6,500 individuals of European and African American ancestry in the NHLBI Exome Sequencing Project, suggesting it is not a common benign variant in these populations. Since Glycine and Aspartic Acid differ in polarity, charge, size or other properties, this is considered a non-conservative amino acid substitution. CDKN2A Gly23Asp occurs at a position that is conserved across species and is located with the ANK1 repeat domain. In silico analyses predict that this variant is probably damaging to protein structure and function. Based on the currently available evidence, we consider CDKN2A Gly23Asp to be a likely pathogenic variant.

Juno Genomics, Hangzhou Juno Genomics, Inc
Classification: Likely pathogenic for Melanoma and neural system tumor syndrome; Melanoma-pancreatic cancer syndrome; Melanoma, cutaneous malignant, susceptibility to, 2. Review status: criteria provided, single submitter. Criteria: ACMG Guidelines, 2015. Collection method: clinical testing. Allele origin: germline.
Comment: Absent from controls (or at extremely low frequency if recessive) in Genome Aggregation Database.;Well-established in vitro or in vivo functional studies supportive of a damaging effect on the gene or gene product.;The prevalence of the variant in affected individuals is significantly increased compared to the prevalence in controls.

Literature cited by the submitters: PubMed 17167857 (cited by 3 submitters); PubMed 19260062 (cited by 4 submitters); PubMed 19712690 (cited by 3 submitters); PubMed 20340136 (cited by 4 submitters); PubMed 26775776 (cited by Ambry Genetics and Labcorp Genetics (formerly Invitae), Labcorp); PubMed 9425228 (cited by Ambry Genetics and Women's Health and Genetics/Laboratory Corporation of America, LabCorp); PubMed 9751050 (cited by Ambry Genetics); PubMed 9856841 (cited by Labcorp Genetics (formerly Invitae), Labcorp and Women's Health and Genetics/Laboratory Corporation of America, LabCorp); PubMed 21462282 (cited by Labcorp Genetics (formerly Invitae), Labcorp); PubMed 24659262 (cited by Labcorp Genetics (formerly Invitae), Labcorp and Women's Health and Genetics/Laboratory Corporation of America, LabCorp); PubMed 16234564 (cited by Labcorp Genetics (formerly Invitae), Labcorp); PubMed 27267843 (cited by Labcorp Genetics (formerly Invitae), Labcorp); PubMed 28830827 (cited by Labcorp Genetics (formerly Invitae), Labcorp); PubMed 29661971 (cited by Labcorp Genetics (formerly Invitae), Labcorp); PubMed 32482799 (cited by Labcorp Genetics (formerly Invitae), Labcorp); PubMed 20876876 (cited by Women's Health and Genetics/Laboratory Corporation of America, LabCorp); PubMed 19500876 (cited by Women's Health and Genetics/Laboratory Corporation of America, LabCorp); PubMed 16169933 (cited by Women's Health and Genetics/Laboratory Corporation of America, LabCorp).

NM_000077.5(CDKN2A):c.68G>A (p.Gly23Asp)

Gene: CDKN2A (cyclin dependent kinase inhibitor 2A; minus strand). Cytogenetic location: 9p21.3.
Variant type: single nucleotide variant.
Coding change: c.68G>A on transcript NM_000077.5; coding-DNA position 68, G replaced by A.
Protein change: p.Gly23Asp; replaces glycine 23 with aspartic acid.
Molecular consequence: missense variant (on NM_000077.6). On other transcripts: intron variant (2).
Genome position (GRCh38, 1-based): chr9:21,974,760, C>T on the plus strand (G>A on the coding strand, the complement: CDKN2A is on the minus strand). VCF-style: chr9-21974760-C-T. GRCh37 (hg19) VCF-style: chr9-21974759-C-T.
Other names: c.68G>A, p.Gly23Asp (NM_000077.6, NM_001195132.2, NM_058197.5); c.-3-3552G>A (NM_001363763.2); c.194-3552G>A (NM_058195.4); short protein forms G23D.
Identifiers: ClinVar variation 420108 (VCV000420108.25), dbSNP rs1064794292, ClinGen allele CA16618835.